The following is an entry in ClinVar:

NM_004415.4(DSP):c.6557T>G (p.Leu2186Arg)

Gene: DSP (desmoplakin; plus strand). Cytogenetic location: 6p24.3.
Variant type: single nucleotide variant.
Coding change: c.6557T>G on transcript NM_004415.4 (MANE Select); coding-DNA position 6557, T replaced by G.
Protein change: p.Leu2186Arg; replaces leucine 2186 with arginine.
Molecular consequence: missense variant.
Genome position (GRCh38, 1-based): chr6:7,583,819, T>G. VCF-style: chr6-7583819-T-G. GRCh37 (hg19) VCF-style: chr6-7584052-T-G.
Other names: c.4760T>G, p.Leu1587Arg (NM_001008844.3); c.5228T>G, p.Leu1743Arg (NM_001319034.2); short protein forms L2186R, L1587R, L1743R.
Identifiers: ClinVar variation 228646 (VCV000228646.4), dbSNP rs876657797, ClinGen allele CA10576704.
Genomic context (GRCh38, chr6:7,583,819, plus strand): 5'-GAGATAGTCAGAAAAACTTTGTGGATCCAGTCACCAAAAAGAAGGTCAGTTACGTGCAGC[T>G]GAAGGAACGGTGCAGAATCGAACCACATACTGGTCTGCTCTTGCTTTCAGTACAGAAGAG-3'
Protein context (NP_004406.2, residues 2176-2196): VTKKKVSYVQ[Leu2186Arg]KERCRIEPHT

ClinVar aggregate classification (germline): Uncertain significance (1 of 4 stars; one submission).

Submission:

Laboratory for Molecular Medicine, Mass General Brigham Personalized Medicine
Classification: Uncertain significance. Last evaluated: 2015-01-02. Review status: criteria provided, single submitter. Criteria: LMM Criteria. Collection method: clinical testing. Allele origin: germline. Observed: 1 variant allele.
Comment: The p.Leu2186Arg variant in DSP has not been previously reported in individuals with cardiomyopathy or in large population studies. Computational prediction too ls and conservation analysis suggest that this variant may impact the protein, t hough this information is not predictive enough to determine pathogenicity. In s ummary, the clinical significance of the p.Leu2186Arg variant is uncertain.